The following is an entry in ClinVar:

ClinVar aggregate classification (germline): Uncertain significance. Review status: criteria provided, multiple submitters, no conflicts (2 of 4 stars). 4 submissions from 4 submitters: Uncertain significance (4). Last evaluated 2025-12-09.

Conditions:
Pontocerebellar hypoplasia type 4 (PCH4). Also called: Pontocerebellar Hypoplasia Type 4 (PCH4). Identifiers: Orphanet 166063, MedGen C1856974, MONDO:0009166, OMIM 225753.
Pontocerebellar hypoplasia type 2A (PCH2A). Also called: PONTOCEREBELLAR HYPOPLASIA WITH PROGRESSIVE CEREBRAL ATROPHY; VOLENDAM NEURODEGENERATIVE DISEASE. Identifiers: Orphanet 2524, MedGen C1848526, MONDO:0010190, OMIM 277470.
Pontocerebellar hypoplasia type 5 (PCH5). Also called: Pontocerebellar Hypoplasia Type 5 (PCH5). Identifiers: Orphanet 166068, MedGen C1857762, MONDO:0012438, OMIM 610204.
Inborn genetic diseases. Identifiers: MedGen C0950123, MeSH D030342.

Allele frequency attached by ClinVar (database versions not stated): TOPMed 0.00003; gnomAD 0.00005; gnomAD exomes 0.00013; ExAC 0.00023; ESP Exome Variant Server 0.00023.

Submissions (4):

Ambry Genetics
Classification: Uncertain significance for Inborn genetic diseases. Last evaluated: 2025-12-09. Review status: criteria provided, single submitter. Criteria: Ambry Variant Classification Scheme 2023. Collection method: clinical testing. Allele origin: germline.

Labcorp Genetics (formerly Invitae), Labcorp
Classification: Uncertain significance. Last evaluated: 2022-06-23. Review status: criteria provided, single submitter. Criteria: Invitae Variant Classification Sherloc (09022015). Collection method: clinical testing. Allele origin: germline.
Comment: This sequence change replaces arginine, which is basic and polar, with glutamine, which is neutral and polar, at codon 490 of the TSEN54 protein (p.Arg490Gln). This variant is present in population databases (rs141950888, gnomAD 0.02%). This variant has not been reported in the literature in individuals affected with TSEN54-related conditions. ClinVar contains an entry for this variant (Variation ID: 449182). Algorithms developed to predict the effect of missense changes on protein structure and function output the following: SIFT: "Tolerated"; PolyPhen-2: "Benign"; Align-GVGD: "Class C0". The glutamine amino acid residue is found in multiple mammalian species, which suggests that this missense change does not adversely affect protein function. In summary, the available evidence is currently insufficient to determine the role of this variant in disease. Therefore, it has been classified as a Variant of Uncertain Significance.

Department of Pathology and Laboratory Medicine, Sinai Health System
Classification: Uncertain significance for Pontocerebellar hypoplasia type 4; Pontocerebellar hypoplasia type 2A; Pontocerebellar hypoplasia type 5. Last evaluated: 2022-03-07. Review status: criteria provided, single submitter. Criteria: ACMG Guidelines, 2015. Collection method: research. Allele origin: germline.

GeneDx
Classification: Uncertain significance. Last evaluated: 2021-02-16. Review status: criteria provided, single submitter. Criteria: GeneDx Variant Classification Process June 2021. Collection method: clinical testing. Allele origin: germline. Affected: yes.
Comment: In silico analysis supports that this missense variant does not alter protein structure/function; Has not been previously published as pathogenic or benign to our knowledge

NM_207346.3(TSEN54):c.1469G>A (p.Arg490Gln)

Gene: TSEN54 (tRNA splicing endonuclease subunit 54; plus strand). Cytogenetic location: 17q25.1.
Variant type: single nucleotide variant.
Coding change: c.1469G>A on transcript NM_207346.3 (MANE Select); coding-DNA position 1469, G replaced by A.
Protein change: p.Arg490Gln; replaces arginine 490 with glutamine.
Molecular consequence: missense variant.
Genome position (GRCh38, 1-based): chr17:75,524,300, G>A. VCF-style: chr17-75524300-G-A. GRCh37 (hg19) VCF-style: chr17-73520381-G-A.
Other names: short protein forms R490Q.
Identifiers: ClinVar variation 449182 (VCV000449182.8), dbSNP rs141950888, ClinGen allele CA8764458.